The following is an entry in ClinVar:

NM_001903.5(CTNNA1):c.839A>T (p.Tyr280Phe)

Gene: CTNNA1 (catenin alpha 1; plus strand). Cytogenetic location: 5q31.2.
Variant type: single nucleotide variant.
Coding change: c.839A>T on transcript NM_001903.5 (MANE Select); coding-DNA position 839, A replaced by T.
Protein change: p.Tyr280Phe; replaces tyrosine 280 with phenylalanine.
Molecular consequence: missense variant.
Genome position (GRCh38, 1-based): chr5:138,824,780, A>T. VCF-style: chr5-138824780-A-T. GRCh37 (hg19) VCF-style: chr5-138160469-A-T.
Other names: c.839A>T, p.Tyr280Phe (NM_001290307.3, NM_001323982.2, NM_001323983.1 and 3 more transcripts); c.530A>T, p.Tyr177Phe (NM_001290309.3); c.470A>T, p.Tyr157Phe (NM_001290310.3); short protein forms Y177F, Y280F, Y157F.
Identifiers: ClinVar variation 2563269 (VCV002563269.3), dbSNP rs1427235870, ClinGen allele CA361130258.

ClinVar aggregate classification (germline): Uncertain significance (1 of 4 stars; one submission).

Conditions:
Hereditary cancer-predisposing syndrome. Also called: Neoplastic Syndromes, Hereditary; Tumor predisposition; Hereditary Cancer Syndrome; Hereditary neoplastic syndrome. Identifiers: Orphanet 140162, MedGen C0027672, MeSH D009386, MONDO:0015356.

Submission:

Ambry Genetics
Classification: Uncertain significance for Hereditary cancer-predisposing syndrome. Last evaluated: 2025-12-21. Review status: criteria provided, single submitter. Criteria: Ambry Variant Classification Scheme 2023. Collection method: clinical testing. Allele origin: germline.
Comment: The p.Y280F variant (also known as c.839A>T), located in coding exon 5 of the CTNNA1 gene, results from an A to T substitution at nucleotide position 839. The tyrosine at codon 280 is replaced by phenylalanine, an amino acid with highly similar properties. This amino acid position is conserved. In addition, this alteration is predicted to be tolerated by in silico analysis. Since supporting evidence is limited at this time, the clinical significance of this alteration remains unclear.